The following continues an entry in ClinVar:

NM_000466.3(PEX1):c.2528G>A (p.Gly843Asp)

Gene: PEX1. ClinVar aggregate classification (germline): Pathogenic. Pathogenic (37).

Submissions 47 to 48 of 48:

Genomics England Pilot Project, Genomics England
Classification: Likely pathogenic for Peroxisome biogenesis disorder 1A (Zellweger). Review status: no assertion criteria provided. Criteria: ACGS Guidelines, 2016. Collection method: clinical testing. Allele origin: germline. Affected: yes. Not counted in ClinVar's aggregate classification.

Joint Genome Diagnostic Labs from Nijmegen and Maastricht, Radboudumc and MUMC+
Classification: Pathogenic. Review status: no assertion criteria provided. Collection method: clinical testing. Allele origin: germline. Affected: yes. Study: VKGL Data-share Consensus. Not counted in ClinVar's aggregate classification.

Literature cited by the submitters: PubMed 9398847 (cited by 14 submitters); PubMed 10447258 (cited by 6 submitters); PubMed 26287655 (cited by 5 submitters); PubMed 26643206 (cited by 4 submitters); PubMed 27090541 (cited by 3 submitters); PubMed 27872819 (cited by 3 submitters); PubMed 27882258 (cited by 3 submitters); PubMed 12402331 (cited by 4 submitters); PubMed 24503136 (cited by Labcorp Genetics (formerly Invitae), Labcorp and Diagnostics Centre, Carl Von Ossietzky University Oldenburg); PubMed 25412400 (cited by Institute of Human Genetics, Univ. Regensburg, Univ. Regensburg and Baylor Genetics); PubMed 26219880 (cited by Institute of Human Genetics, Univ. Regensburg, Univ. Regensburg and Baylor Genetics); PubMed 28559085 (cited by Institute of Human Genetics, Univ. Regensburg, Univ. Regensburg); PubMed 29377746 (cited by Institute of Human Genetics, Univ. Regensburg, Univ. Regensburg); PubMed 29588463 (cited by Institute of Human Genetics, Univ. Regensburg, Univ. Regensburg); PubMed 29907799 (cited by Institute of Human Genetics, Univ. Regensburg, Univ. Regensburg); PubMed 30577886 (cited by Institute of Human Genetics, Univ. Regensburg, Univ. Regensburg); PubMed 31150129 (cited by Institute of Human Genetics, Univ. Regensburg, Univ. Regensburg); PubMed 31589614 (cited by Institute of Human Genetics, Univ. Regensburg, Univ. Regensburg); PubMed 31319225 (cited by Institute of Human Genetics, Univ. Regensburg, Univ. Regensburg); PubMed 31216405 (cited by Institute of Human Genetics, Univ. Regensburg, Univ. Regensburg); PubMed 31664448 (cited by Institute of Human Genetics, Univ. Regensburg, Univ. Regensburg); PubMed 31884617 (cited by Institute of Human Genetics, Univ. Regensburg, Univ. Regensburg); PubMed 32866347 (cited by Institute of Human Genetics, Univ. Regensburg, Univ. Regensburg); PubMed 31964843 (cited by Institute of Human Genetics, Univ. Regensburg, Univ. Regensburg); PubMed 31980526 (cited by Institute of Human Genetics, Univ. Regensburg, Univ. Regensburg); PubMed 34426522 (cited by Institute of Human Genetics, Univ. Regensburg, Univ. Regensburg); PubMed 33749171 (cited by Institute of Human Genetics, Univ. Regensburg, Univ. Regensburg); PubMed 34758253 (cited by Institute of Human Genetics, Univ. Regensburg, Univ. Regensburg); PubMed 35586607 (cited by Institute of Human Genetics, Univ. Regensburg, Univ. Regensburg); PubMed 36631813 (cited by Institute of Human Genetics, Univ. Regensburg, Univ. Regensburg); PubMed 11389485 (cited by 3 submitters); PubMed 21031596 (cited by Myriad Genetics, Inc.); PubMed 16141001 (cited by 4 submitters); PubMed 9398848 (cited by 4 submitters); PubMed 15098231 (cited by 3 submitters); PubMed 10384394 (cited by 3 submitters); PubMed 19105186 (cited by SIB Swiss Institute of Bioinformatics); PubMed 21846392 (cited by Illumina Laboratory Services, Illumina); PubMed 30362618 (cited by Ambry Genetics); PubMed 31374812 (cited by Ambry Genetics); PubMed 22871920 (cited by 3 submitters); PubMed 21862673 (cited by OMIM); PubMed 17055079 (cited by OMIM); PubMed 20301621 (cited by GeneReviews).